The following is an entry in ClinVar:

NM_001289808.2(CRYAB):c.52C>T (p.His18Tyr)

Gene: CRYAB (crystallin alpha B; minus strand). Cytogenetic location: 11q23.1.
Variant type: single nucleotide variant.
Coding change: c.52C>T on transcript NM_001289808.2 (MANE Select); coding-DNA position 52, C replaced by T.
Protein change: p.His18Tyr; replaces histidine 18 with tyrosine.
Molecular consequence: missense variant.
Genome position (GRCh38, 1-based): chr11:111,911,673, G>A on the plus strand (C>T on the coding strand, the complement: CRYAB is on the minus strand). VCF-style: chr11-111911673-G-A. GRCh37 (hg19) VCF-style: chr11-111782397-G-A.
Other names: c.52C>T, p.His18Tyr (NM_001289807.1, NM_001368245.1, NM_001885.3); short protein forms H18Y.
Identifiers: ClinVar variation 915577 (VCV000915577.12), dbSNP rs373032047, ClinGen allele CA6275582.

ClinVar aggregate classification (germline): Uncertain significance. Review status: criteria provided, multiple submitters, no conflicts (2 of 4 stars). 3 submissions from 3 submitters: Uncertain significance (3). Last evaluated 2025-10-25.

Conditions:
Cardiovascular phenotype. Identifiers: MedGen CN230736.
Cardiomyopathy (CMYO). Also called: Cardiomyopathies. Identifiers: Orphanet 167848, MedGen C0878544, MONDO:0004994, HP:0001638. Inheritance: Various modes of inheritance.
Dilated cardiomyopathy 1II (CMD1II). Identifiers: Orphanet 154, MedGen C3554649, MONDO:0014073, OMIM 615184.

Allele frequency attached by ClinVar (database versions not stated): gnomAD 0.00001; gnomAD exomes 0.00001 and 0.00002; TOPMed 0.00001; ExAC 0.00003; ESP Exome Variant Server 0.00008.
gnomAD v4.1: 25 of 1,606,804 alleles (0.0016%); highest among the groups gnomAD compares: Non-Finnish European, 0.0021%; no homozygotes.

Submissions (3):

Ambry Genetics
Classification: Uncertain significance for Cardiovascular phenotype. Last evaluated: 2025-10-25. Review status: criteria provided, single submitter. Criteria: Ambry Variant Classification Scheme 2023. Collection method: clinical testing. Allele origin: germline.

Labcorp Genetics (formerly Invitae), Labcorp
Classification: Uncertain significance for Dilated cardiomyopathy 1II. Last evaluated: 2024-10-01. Review status: criteria provided, single submitter. Criteria: Invitae Variant Classification Sherloc (09022015). Collection method: clinical testing. Allele origin: germline.
Comment: This sequence change replaces histidine, which is basic and polar, with tyrosine, which is neutral and polar, at codon 18 of the CRYAB protein (p.His18Tyr). This variant is present in population databases (rs373032047, gnomAD 0.003%). This variant has not been reported in the literature in individuals affected with CRYAB-related conditions. ClinVar contains an entry for this variant (Variation ID: 915577). An algorithm developed to predict the effect of missense changes on protein structure and function (PolyPhen-2) suggests that this variant is likely to be tolerated. In summary, the available evidence is currently insufficient to determine the role of this variant in disease. Therefore, it has been classified as a Variant of Uncertain Significance.

CHEO Genetics Diagnostic Laboratory, Children's Hospital of Eastern Ontario
Classification: Uncertain significance for Cardiomyopathy. Last evaluated: 2017-11-08. Review status: criteria provided, single submitter. Criteria: ACMG Guidelines, 2015. Collection method: clinical testing. Allele origin: germline.